The following is an entry in ClinVar:

ClinVar aggregate classification (germline): Uncertain significance (1 of 4 stars; one submission).

Conditions:
Noonan syndrome 9 (NS9). Identifiers: Orphanet 648, MedGen C4225282, MONDO:0014691, OMIM 616559.

Submission:

Labcorp Genetics (formerly Invitae), Labcorp
Classification: Uncertain significance for Noonan syndrome 9. Last evaluated: 2023-09-05. Review status: criteria provided, single submitter. Criteria: Invitae Variant Classification Sherloc (09022015). Collection method: clinical testing. Allele origin: germline.
Comment: In summary, the available evidence is currently insufficient to determine the role of this variant in disease. Therefore, it has been classified as a Variant of Uncertain Significance. Advanced modeling of protein sequence and biophysical properties (such as structural, functional, and spatial information, amino acid conservation, physicochemical variation, residue mobility, and thermodynamic stability) performed at Invitae indicates that this missense variant is not expected to disrupt SOS2 protein function. This variant has not been reported in the literature in individuals affected with SOS2-related conditions. This variant is not present in population databases (gnomAD no frequency). This sequence change replaces serine, which is neutral and polar, with asparagine, which is neutral and polar, at codon 1131 of the SOS2 protein (p.Ser1131Asn).

NM_006939.4(SOS2):c.3392G>A (p.Ser1131Asn)

Gene: SOS2 (SOS Ras/Rho guanine nucleotide exchange factor 2; minus strand). Cytogenetic location: 14q21.3.
Variant type: single nucleotide variant.
Coding change: c.3392G>A on transcript NM_006939.4 (MANE Select); coding-DNA position 3392, G replaced by A.
Protein change: p.Ser1131Asn; replaces serine 1131 with asparagine.
Molecular consequence: missense variant.
Genome position (GRCh38, 1-based): chr14:50,120,372, C>T on the plus strand (G>A on the coding strand, the complement: SOS2 is on the minus strand). VCF-style: chr14-50120372-C-T. GRCh37 (hg19) VCF-style: chr14-50587090-C-T.
Other names: c.3293G>A, p.Ser1098Asn (NM_001411020.1); short protein forms S1098N, S1131N.
Identifiers: ClinVar variation 2755583 (VCV002755583.3), dbSNP rs2502768859, ClinGen allele CA389639374.